The following is an entry in ClinVar:

ClinVar aggregate classification (germline): Benign/Likely benign. Review status: criteria provided, multiple submitters, no conflicts (2 of 4 stars). 4 submissions from 4 submitters: Benign (2); Likely benign (2). Last evaluated 2026-01-29.

Conditions:
Autosomal recessive limb-girdle muscular dystrophy type R18 (LGMDR18). Also called: Limb-girdle muscular dystrophy, type 2S; MUSCULAR DYSTROPHY, LIMB-GIRDLE, AUTOSOMAL RECESSIVE 18; Autosomal recessive limb-girdle muscular dystrophy type 2S. Identifiers: Orphanet 369840, MedGen C4517996, MONDO:0014144, OMIM 615356.

Allele frequency attached by ClinVar (database versions not stated): gnomAD 0.00003 and 0.00029; TOPMed 0.00005; ESP Exome Variant Server 0.00015; ExAC 0.00155; 1000 Genomes Project 30x 0.00156; 1000 Genomes Project 0.00180.
gnomAD v4.1: 993 of 1,613,942 alleles (0.062%); highest among the groups gnomAD compares: South Asian, 1%; 15 homozygotes.

Submissions (4):

Labcorp Genetics (formerly Invitae), Labcorp
Classification: Benign for Autosomal recessive limb-girdle muscular dystrophy type R18. Last evaluated: 2026-01-29. Review status: criteria provided, single submitter. Criteria: Invitae Variant Classification Sherloc (09022015). Collection method: clinical testing. Allele origin: germline.

CeGaT Center for Human Genetics Tuebingen
Classification: Benign. Last evaluated: 2024-06-01. Review status: criteria provided, single submitter. Criteria: CeGaT Center For Human Genetics Tuebingen Variant Classification Criteria Version 2. Collection method: clinical testing. Allele origin: germline. Affected: yes. Observed: 3 variant alleles.
Comment: TRAPPC11: BS1, BS2

GeneDx
Classification: Likely benign. Last evaluated: 2020-11-02. Review status: criteria provided, single submitter. Criteria: GeneDx Variant Classification Process June 2021. Collection method: clinical testing. Allele origin: germline. Affected: yes.

Breakthrough Genomics
Classification: Likely benign. Review status: criteria provided, single submitter. Criteria: ACMG Guidelines, 2015. Collection method: not provided. Allele origin: germline. Inheritance: Autosomal recessive inheritance. Affected: yes.

NM_021942.6(TRAPPC11):c.3329G>A (p.Arg1110His)

Gene: TRAPPC11 (trafficking protein particle complex subunit 11; plus strand). Cytogenetic location: 4q35.1.
Variant type: single nucleotide variant.
Coding change: c.3329G>A on transcript NM_021942.6 (MANE Select); coding-DNA position 3329, G replaced by A.
Protein change: p.Arg1110His; replaces arginine 1110 with histidine.
Molecular consequence: missense variant. On other transcripts: synonymous variant (1).
Genome position (GRCh38, 1-based): chr4:183,708,546, G>A. VCF-style: chr4-183708546-G-A. GRCh37 (hg19) VCF-style: chr4-184629699-G-A.
Other names: c.3210G>A, p.Ala1070= (NM_199053.3); short protein forms R1110H.
Identifiers: ClinVar variation 474365 (VCV000474365.38), dbSNP rs369105119, ClinGen allele CA3152502.